The following is an entry in ClinVar:

ClinVar aggregate classification (germline): Uncertain significance (1 of 4 stars; one submission).

Conditions:
MHC class I deficiency. Identifiers: Orphanet 34592, MedGen C6024714, MONDO:0011476.

Allele frequency attached by ClinVar (database versions not stated): TOPMed below 0.00001.

Submission:

Labcorp Genetics (formerly Invitae), Labcorp
Classification: Uncertain significance for MHC class I deficiency 1. Last evaluated: 2025-05-07. Review status: criteria provided, single submitter. Criteria: Invitae Variant Classification Sherloc (09022015). Collection method: clinical testing. Allele origin: germline.
Comment: This sequence change replaces arginine, which is basic and polar, with glutamine, which is neutral and polar, at codon 84 of the TAPBP protein (p.Arg84Gln). This variant is not present in population databases (gnomAD no frequency). This variant has not been reported in the literature in individuals affected with TAPBP-related conditions. ClinVar contains an entry for this variant (Variation ID: 1351664). An algorithm developed to predict the effect of missense changes on protein structure and function outputs the following: PolyPhen-2: "Benign". The glutamine amino acid residue is found in multiple mammalian species, which suggests that this missense change does not adversely affect protein function. In summary, the available evidence is currently insufficient to determine the role of this variant in disease. Therefore, it has been classified as a Variant of Uncertain Significance.

NM_003190.5(TAPBP):c.251G>A (p.Arg84Gln)

Gene: TAPBP (TAP binding protein; minus strand). Cytogenetic location: 6p21.32.
Variant type: single nucleotide variant.
Coding change: c.251G>A on transcript NM_003190.5 (MANE Select); coding-DNA position 251, G replaced by A.
Protein change: p.Arg84Gln; replaces arginine 84 with glutamine.
Molecular consequence: missense variant. On other transcripts: intron variant (1).
Genome position (GRCh38, 1-based): chr6:33,313,435, C>T on the plus strand (G>A on the coding strand, the complement: TAPBP is on the minus strand). VCF-style: chr6-33313435-C-T. GRCh37 (hg19) VCF-style: chr6-33281212-C-T.
Other names: c.251G>A, p.Arg84Gln (NM_172208.3); c.208+259G>A (NM_172209.3); short protein forms R84Q.
Identifiers: ClinVar variation 1351664 (VCV001351664.6), dbSNP rs1302409592, ClinGen allele CA363621327.
Genomic context (GRCh38, chr6:33,313,435, plus strand): 5'-TTCGCAGAGGCGGGGAGAGGCACGAAGCGGCTCATCTCGCAGTGTGGTGCGGGGGCGCCC[C>T]GGGGATACCGCCTGAAGGCAGCCTGGAGGGCGCCCGCGGGGTCTGAGTGTAGAGAAGGAA-3'
Protein context (NP_003181.3, residues 74-94): ALQAAFRRYP[Arg84Gln]GAPAPHCEMS